The following is an entry in ClinVar:

ClinVar aggregate classification (germline): Conflicting classifications of pathogenicity. Review status: criteria provided, conflicting classifications (1 of 4 stars). 2 submissions from 2 submitters: Uncertain significance (1); Likely benign (1). Last evaluated 2024-11-11.

Conditions:
Cortical dysplasia-focal epilepsy syndrome (PTHSL1). Also called: Pitt-Hopkins-like syndrome 1. Identifiers: Orphanet 163681, Orphanet 221150, MedGen C2750246, MONDO:0012400, OMIM 610042.

Allele frequency attached by ClinVar (database versions not stated): gnomAD exomes below 0.00001 and 0.00001; gnomAD 0.00003 and 0.00004; TOPMed 0.00003; ESP Exome Variant Server 0.00008.
gnomAD v4.1: 17 of 1,613,116 alleles (0.0011%); highest among the groups gnomAD compares: African/African-American, 0.015%; no homozygotes.

Submissions (2):

Labcorp Genetics (formerly Invitae), Labcorp
Classification: Uncertain significance for Cortical dysplasia-focal epilepsy syndrome. Last evaluated: 2024-11-11. Review status: criteria provided, single submitter. Criteria: Invitae Variant Classification Sherloc (09022015). Collection method: clinical testing. Allele origin: germline.
Comment: This sequence change falls in intron 18 of the CNTNAP2 gene. It does not directly change the encoded amino acid sequence of the CNTNAP2 protein. It affects a nucleotide within the consensus splice site. This variant is present in population databases (rs376708056, gnomAD 0.02%). This variant has not been reported in the literature in individuals affected with CNTNAP2-related conditions. ClinVar contains an entry for this variant (Variation ID: 385890). Variants that disrupt the consensus splice site are a relatively common cause of aberrant splicing (PMID: 17576681, 9536098). Algorithms developed to predict the effect of sequence changes on RNA splicing suggest that this variant is not likely to affect RNA splicing. In summary, the available evidence is currently insufficient to determine the role of this variant in disease. Therefore, it has been classified as a Variant of Uncertain Significance.

GeneDx
Classification: Likely benign. Last evaluated: 2016-05-09. Review status: criteria provided, single submitter. Criteria: GeneDx Variant Classification (06012015). Collection method: clinical testing. Allele origin: germline. Affected: yes.
Comment: This variant is considered likely benign or benign based on one or more of the following criteria: it is a conservative change, it occurs at a poorly conserved position in the protein, it is predicted to be benign by multiple in silico algorithms, and/or has population frequency not consistent with disease.

Literature cited by the submitters: PubMed 17576681 (cited by Labcorp Genetics (formerly Invitae), Labcorp); PubMed 9536098 (cited by Labcorp Genetics (formerly Invitae), Labcorp).

NM_014141.6(CNTNAP2):c.3010+6G>A

Genes: CNTNAP2 (contactin associated protein 2; plus strand), LOC126860216 (BRD4-independent group 4 enhancer GRCh37_chr7:147868766-147869965; plus strand). Cytogenetic location: 7q35.
Variant type: single nucleotide variant.
Coding change: c.3010+6G>A on transcript NM_014141.6 (MANE Select); 6 bases into the intron after coding-DNA position 3010, G replaced by A.
Molecular consequence: intron variant.
Genome position (GRCh38, 1-based): chr7:148,172,484, G>A. VCF-style: chr7-148172484-G-A. GRCh37 (hg19) VCF-style: chr7-147869576-G-A.
Identifiers: ClinVar variation 385890 (VCV000385890.8), dbSNP rs376708056, ClinGen allele CA16605153.